The following is an entry in ClinVar:

NM_031935.3(HMCN1):c.1886T>C (p.Val629Ala)

Gene: HMCN1 (hemicentin 1; plus strand). Cytogenetic location: 1q31.1.
Variant type: single nucleotide variant.
Coding change: c.1886T>C on transcript NM_031935.3 (MANE Select); coding-DNA position 1886, T replaced by C.
Protein change: p.Val629Ala; replaces valine 629 with alanine.
Molecular consequence: missense variant.
Genome position (GRCh38, 1-based): chr1:185,962,575, T>C. VCF-style: chr1-185962575-T-C. GRCh37 (hg19) VCF-style: chr1-185931707-T-C.
Other names: c.1886T>C (NM_031935.2); short protein forms V629A.
Identifiers: ClinVar variation 1357514 (VCV001357514.7), dbSNP rs769474927, ClinGen allele CA1291233.

ClinVar aggregate classification (germline): Uncertain significance. Review status: criteria provided, multiple submitters, no conflicts (2 of 4 stars). 2 submissions from 2 submitters: Uncertain significance (2). Last evaluated 2025-11-24.

Allele frequency attached by ClinVar (database versions not stated): ExAC 0.00001; gnomAD exomes 0.00001 and 0.00004; TOPMed 0.00008; gnomAD 0.00015 and 0.00016.
gnomAD v4.1: 37 of 1,608,596 alleles (0.0023%); highest among the groups gnomAD compares: African/African-American, 0.036%; no homozygotes.

Submissions (2):

Labcorp Genetics (formerly Invitae), Labcorp
Classification: Uncertain significance. Last evaluated: 2025-11-24. Review status: criteria provided, single submitter. Criteria: Invitae Variant Classification Sherloc (09022015). Collection method: clinical testing. Allele origin: germline.
Comment: This sequence change replaces valine, which is neutral and non-polar, with alanine, which is neutral and non-polar, at codon 629 of the HMCN1 protein (p.Val629Ala). This variant is present in population databases (rs769474927, gnomAD 0.05%). This variant has not been reported in the literature in individuals affected with HMCN1-related conditions. ClinVar contains an entry for this variant (Variation ID: 1357514). An algorithm developed to predict the effect of missense changes on protein structure and function (PolyPhen-2) suggests that this variant is likely to be disruptive. In summary, the available evidence is currently insufficient to determine the role of this variant in disease. Therefore, it has been classified as a Variant of Uncertain Significance.

Ambry Genetics
Classification: Uncertain significance. Last evaluated: 2024-09-04. Review status: criteria provided, single submitter. Criteria: Ambry Variant Classification Scheme 2023. Collection method: clinical testing. Allele origin: germline.